The following is an entry in ClinVar:

NM_000350.3(ABCA4):c.6407T>C (p.Leu2136Pro)

Gene: ABCA4 (ATP binding cassette subfamily A member 4; minus strand). Cytogenetic location: 1p22.1.
Variant type: single nucleotide variant.
Coding change: c.6407T>C on transcript NM_000350.3 (MANE Select); coding-DNA position 6407, T replaced by C.
Protein change: p.Leu2136Pro; replaces leucine 2136 with proline.
Molecular consequence: missense variant.
Genome position (GRCh38, 1-based): chr1:94,000,908, A>G on the plus strand (T>C on the coding strand, the complement: ABCA4 is on the minus strand). VCF-style: chr1-94000908-A-G. GRCh37 (hg19) VCF-style: chr1-94466464-A-G.
Other names: c.6185T>C, p.Leu2062Pro (NM_001425324.1); short protein forms L2136P, L2062P.
Identifiers: ClinVar variation 1429524 (VCV001429524.8), dbSNP rs2100993718, ClinGen allele CA341277364.

ClinVar aggregate classification (germline): Uncertain significance (1 of 4 stars; one submission).

Submission:

Labcorp Genetics (formerly Invitae), Labcorp
Classification: Uncertain significance. Last evaluated: 2022-06-27. Review status: criteria provided, single submitter. Criteria: Invitae Variant Classification Sherloc (09022015). Collection method: clinical testing. Allele origin: germline.
Comment: In summary, the available evidence is currently insufficient to determine the role of this variant in disease. Therefore, it has been classified as a Variant of Uncertain Significance. Advanced modeling of protein sequence and biophysical properties (such as structural, functional, and spatial information, amino acid conservation, physicochemical variation, residue mobility, and thermodynamic stability) performed at Invitae indicates that this missense variant is expected to disrupt ABCA4 protein function. This variant has not been reported in the literature in individuals affected with ABCA4-related conditions. This variant is not present in population databases (gnomAD no frequency). This sequence change replaces leucine, which is neutral and non-polar, with proline, which is neutral and non-polar, at codon 2136 of the ABCA4 protein (p.Leu2136Pro).